The following is an entry in ClinVar:

ClinVar aggregate classification (germline): Uncertain significance. Review status: criteria provided, single submitter (1 of 4 stars). 2 submissions from 2 submitters: Uncertain significance (1). 1 of the submissions does not count toward it. Last evaluated 2022-01-24.

Conditions:
GRIA1-related disorder. Also called: GRIA1-related condition.

gnomAD v4.1: 1 of 1,613,062 alleles (0.000062%); highest among the groups gnomAD compares: Non-Finnish European, 0.000085%; no homozygotes.

Submissions (2):

GeneDx
Classification: Uncertain significance. Last evaluated: 2022-01-24. Review status: criteria provided, single submitter. Criteria: GeneDx Variant Classification Process June 2021. Collection method: clinical testing. Allele origin: germline. Affected: yes.
Comment: Not observed at significant frequency in large population cohorts (gnomAD); In silico analysis supports that this missense variant has a deleterious effect on protein structure/function; Has not been previously published as pathogenic or benign to our knowledge

PreventionGenetics, part of Exact Sciences
Classification: Uncertain significance for GRIA1-related condition. Last evaluated: 2024-05-28. Review status: no assertion criteria provided. Collection method: clinical testing. Allele origin: germline. Not counted in ClinVar's aggregate classification.
Comment: The GRIA1 c.2338T>C variant is predicted to result in the amino acid substitution p.Trp780Arg. To our knowledge, this variant has not been reported in the literature or in a large population database, indicating this variant is rare. At this time, the clinical significance of this variant is uncertain due to the absence of conclusive functional and genetic evidence.

NM_000827.4(GRIA1):c.2385+808T>C

Gene: GRIA1 (glutamate ionotropic receptor AMPA type subunit 1; plus strand). Cytogenetic location: 5q33.2.
Variant type: single nucleotide variant.
Coding change: c.2385+808T>C on transcript NM_000827.4 (MANE Select); 808 bases into the intron after coding-DNA position 2385, T replaced by C.
Molecular consequence: intron variant. On other transcripts: missense variant (5), non-coding transcript variant (1).
Genome position (GRCh38, 1-based): chr5:153,795,543, T>C. VCF-style: chr5-153795543-T-C. GRCh37 (hg19) VCF-style: chr5-153175103-T-C.
Other names: c.2338T>C, p.Trp780Arg (NM_001114183.2); c.2053T>C, p.Trp685Arg (NM_001258020.2); c.2368T>C, p.Trp790Arg (NM_001258022.2); c.2365T>C, p.Trp789Arg (NM_001364166.2); c.2131T>C, p.Trp711Arg (NM_001364167.2); c.2217+808T>C (NM_001364165.2); c.2145+808T>C (NM_001258019.2); c.2178+808T>C (NM_001258023.1); and 1 more; short protein forms W685R, W711R, W780R, W789R, W790R.
Identifiers: ClinVar variation 1698010 (VCV001698010.3), dbSNP rs2149661916, ClinGen allele CA362003811.
Genomic context (GRCh38, chr5:153,795,543, plus strand): 5'-GTAAACCTAGCGGTTTTGAAACTCAGTGAGCAAGGCGTCTTAGACAAGCTGAAAAGCAAA[T>C]GGTGGTACGATAAAGGGGAATGTGGAAGCAAGGACTCCGGAAGTAAGGTCAGTCACCGGC-3'